The following is an entry in ClinVar:

NM_006269.2(RP1):c.2180_2181delinsAA (p.Cys727Ter)

Gene: RP1 (RP1 axonemal microtubule associated; plus strand). Cytogenetic location: 8q12.1.
Variant type: Indel.
Coding change: c.2180_2181delinsAA on transcript NM_006269.2 (MANE Select); coding-DNA positions 2180 to 2181, GT replaced by AA.
Protein change: p.Cys727Ter; replaces cysteine 727 with a stop codon.
Molecular consequence: nonsense. On other transcripts: intron variant (1).
Genome position (GRCh38, 1-based): chr8:54,626,062-54,626,063, GT replaced by AA. VCF-style: chr8-54626062-GT-AA. GRCh37 (hg19) VCF-style: chr8-55538622-GT-AA.
Other names: c.787+3774_787+3775delinsAA (NM_001375654.1); short protein forms C727*.
Identifiers: ClinVar variation 812401 (VCV000812401.10), dbSNP rs1585563328, ClinGen allele CA915945689.
Genomic context (GRCh38, chr8:54,626,062, plus strand): 5'-GAATTACAAAGGAAATGATAGTGCAAGATTCAGATAGTCCCCTTAAAGGAGGGATACTTT[GT>AA]GAGGAAGACCTCCAGAAAAGTGATACTGTAATTGAATCAAATACTTTTTGTTCCAAAAGT-3'

ClinVar aggregate classification (germline): Pathogenic. Review status: criteria provided, single submitter (1 of 4 stars). 2 submissions from 2 submitters: Pathogenic (1). 1 of the submissions does not count toward it. Last evaluated 2025-04-29.

Conditions:
Retinitis pigmentosa (RP). Identifiers: Orphanet 791, MedGen C0035334, MeSH D012174, MONDO:0019200, OMIM 268000. Inheritance: Autosomal dominant, autosomal recessive and X linked inheritance.

Submissions (2):

Labcorp Genetics (formerly Invitae), Labcorp
Classification: Pathogenic. Last evaluated: 2025-04-29. Review status: criteria provided, single submitter. Criteria: Invitae Variant Classification Sherloc (09022015). Collection method: clinical testing. Allele origin: germline.
Comment: This sequence change creates a premature translational stop signal (p.Cys727*) in the RP1 gene. While this is not anticipated to result in nonsense mediated decay, it is expected to disrupt the last 1430 amino acid(s) of the RP1 protein. Information on the frequency of this variant in the gnomAD database is not available, as this variant may be reported differently in the database. This premature translational stop signal has been observed in individuals with autosomal dominant retinitis pigmentosa (PMID: 23950152; internal data). ClinVar contains an entry for this variant (Variation ID: 812401). This variant disrupts the C-terminus of the RP1 protein. Many variants that disrupt this region have been reported in individuals with either autosomal dominant or autosomal recessive retinitis pigmentosa (PMID: 11527933, 19933189, 29425069, 30027431, 33681214). Therefore, variants that disrupt this region are expected to be disease-causing. For these reasons, this variant has been classified as Pathogenic.

Sharon lab, Hadassah-Hebrew University Medical Center
Classification: Pathogenic for Retinitis pigmentosa. Last evaluated: 2019-06-23. Review status: no assertion criteria provided. Collection method: research. Allele origin: inherited. Affected: yes. Not counted in ClinVar's aggregate classification.

Literature cited by the submitters: PubMed 23950152 (cited by Labcorp Genetics (formerly Invitae), Labcorp); PubMed 11527933 (cited by Labcorp Genetics (formerly Invitae), Labcorp); PubMed 19933189 (cited by Labcorp Genetics (formerly Invitae), Labcorp); PubMed 29425069 (cited by Labcorp Genetics (formerly Invitae), Labcorp); PubMed 30027431 (cited by Labcorp Genetics (formerly Invitae), Labcorp); PubMed 33681214 (cited by Labcorp Genetics (formerly Invitae), Labcorp).